The following is an entry in ClinVar:

NM_017777.4(MKS1):c.191-12T>C

Gene: MKS1 (MKS transition zone complex subunit 1; minus strand). Cytogenetic location: 17q22.
Variant type: single nucleotide variant.
Coding change: c.191-12T>C on transcript NM_017777.4 (MANE Select); 12 bases into the intron before coding-DNA position 191, T replaced by C.
Molecular consequence: intron variant.
Genome position (GRCh38, 1-based): chr17:58,216,748, A>G on the plus strand (T>C on the coding strand, the complement: MKS1 is on the minus strand). VCF-style: chr17-58216748-A-G. GRCh37 (hg19) VCF-style: chr17-56294109-A-G.
Other names: c.-321-12T>C (NM_001321268.2); c.191-12T>C (NM_001330397.2, NM_001321269.2).
Identifiers: ClinVar variation 2062253 (VCV002062253.4), dbSNP rs778364882, ClinGen allele CA8669613.
Genomic context (GRCh38, chr17:58,216,748, plus strand): 5'-CACCCAATCACAATCTCCTCCTCTTCGTCTTCCTCTGGGCGGTGTCCACCTCCAAAGACA[A>G]CAGAGTGAATCAAATGCTTGAGCCAAACCAGCACCACTTCTTGTTCTGTGGTTTATTATA-3'

ClinVar aggregate classification (germline): Uncertain significance (1 of 4 stars; one submission).

Conditions:
Joubert syndrome. Also called: CEREBELLOPARENCHYMAL DISORDER IV; JOUBERT-BOLTSHAUSER SYNDROME; Familial aplasia of the vermis. Identifiers: Orphanet 475, MedGen C5979921, MONDO:0018772.
Meckel-Gruber syndrome. Also called: DYSENCEPHALIA SPLANCHNOCYSTICA; GRUBER SYNDROME; Dysencephalia splachnocystica. Identifiers: Orphanet 564, MedGen C0265215, MONDO:0018921.

Allele frequency attached by ClinVar (database versions not stated): gnomAD exomes below 0.00001; ExAC 0.00001.
gnomAD v4.1: 1 of 1,613,932 alleles (0.000062%); highest among the groups gnomAD compares: Admixed American, 0.0017%; no homozygotes.

Submission:

Labcorp Genetics (formerly Invitae), Labcorp
Classification: Uncertain significance for Joubert syndrome; Meckel-Gruber syndrome. Last evaluated: 2022-11-15. Review status: criteria provided, single submitter. Criteria: Invitae Variant Classification Sherloc (09022015). Collection method: clinical testing. Allele origin: germline.
Comment: This variant is present in population databases (rs778364882, gnomAD 0.003%). This variant has not been reported in the literature in individuals affected with MKS1-related conditions. Algorithms developed to predict the effect of sequence changes on RNA splicing suggest that this variant may create or strengthen a splice site. In summary, the available evidence is currently insufficient to determine the role of this variant in disease. Therefore, it has been classified as a Variant of Uncertain Significance. This sequence change falls in intron 2 of the MKS1 gene. It does not directly change the encoded amino acid sequence of the MKS1 protein.